The following is an entry in ClinVar:

ClinVar aggregate classification (germline): Uncertain significance (1 of 4 stars; one submission).

gnomAD v4.1: 2 of 1,204,818 alleles (0.00017%); highest among the groups gnomAD compares: Non-Finnish European, 0.00022%; no homozygotes.

Submission:

GeneDx
Classification: Uncertain significance. Last evaluated: 2025-06-17. Review status: criteria provided, single submitter. Criteria: GeneDx Variant Classification Process June 2021. Collection method: clinical testing. Allele origin: germline. Affected: yes.
Comment: Has not been previously published as pathogenic or benign to our knowledge; Not observed at significant frequency in large population cohorts (gnomAD); In silico analysis suggests that this missense variant does not alter protein structure/function

NM_000292.3(PHKA2):c.826G>C (p.Val276Leu)

Gene: PHKA2 (phosphorylase kinase regulatory subunit alpha 2; minus strand). Cytogenetic location: Xp22.13.
Variant type: single nucleotide variant.
Coding change: c.826G>C on transcript NM_000292.3 (MANE Select); coding-DNA position 826, G replaced by C.
Protein change: p.Val276Leu; replaces valine 276 with leucine.
Molecular consequence: missense variant.
Genome position (GRCh38, 1-based): chrX:18,941,567, C>G on the plus strand (G>C on the coding strand, the complement: PHKA2 is on the minus strand). VCF-style: chrX-18941567-C-G. GRCh37 (hg19) VCF-style: chrX-18959685-C-G.
Other names: c.826G>C, p.Val276Leu (NM_001440800.1, NM_001440801.1, NM_001440805.1); c.727G>C, p.Val243Leu (NM_001440802.1, NM_001440803.1, NM_001440804.1); short protein forms V243L, V276L.
Identifiers: ClinVar variation 4538765 (VCV004538765.1).
Genomic context (GRCh38, chrX:18,941,567, plus strand): 5'-CACCAGCATGACTAATGCTTACCTGGAGCTTAGAAATAATTTCATTTTTGGTCACATTTA[C>G]AAGGTTTACATCTTCCACTGCAAAGGCCGGGAAGGAAATAATGGAAAGAAGTCCAGCATC-3'
Protein context (NP_000283.1, residues 266-286): PAFAVEDVNL[Val276Leu]NVTKNEIISK